The following is an entry in ClinVar:

NM_001379150.1(IRS4):c.1386_1391dup (p.Gly466_Asn467insSerGly)

Gene: IRS4 (insulin receptor substrate 4; minus strand). Cytogenetic location: Xq22.3.
Variant type: Duplication.
Coding change: c.1386_1391dup on transcript NM_001379150.1 (MANE Select); coding-DNA positions 1386 to 1391, 6 bases duplicated (TTCTGG; older notation c.1386_1391dupTTCTGG).
Protein change: p.Gly466_Asn467insSerGly.
Molecular consequence: inframe insertion.
Genome position (GRCh38, 1-based): chrX:108,734,954-108,734,959, CCAGAA duplicated on the plus strand (TTCTGG on the coding strand, the reverse complement: IRS4 is on the minus strand); duplicating any 6 consecutive bases within chrX:108,734,954-108,734,964 gives the same sequence; the c. name uses the placement nearest the transcript's 3' end. VCF-style (leftmost placement, unchanged base first): chrX-108734953-G-GCCAGAA. GRCh37 (hg19) VCF-style: chrX-107978183-G-GCCAGAA.
Other names: c.1386_1391dup, p.Gly466_Asn467insSerGly (NM_001440817.1, NM_003604.2).
Identifiers: ClinVar variation 4822416 (VCV004822416.4).
Genomic context (GRCh38, chrX:108,734,953, plus strand): 5'-TCCGCTTCCTTCCTGATCTTCTTTGCCCTGGGGATTGCCTTCCTCCCCAAAGTTGCCAGA[G>GCCAGAA]CCAGAACCAGACACTTCAGAAGACAGGCGAGCTCCATTGTTCGGGGCTTCTGCAGGGTGC-3'

ClinVar aggregate classification (germline): Uncertain significance (1 of 4 stars; one submission).

Submission:

CeGaT Center for Human Genetics Tuebingen
Classification: Uncertain significance. Last evaluated: 2026-02-01. Review status: criteria provided, single submitter. Criteria: CeGaT Center For Human Genetics Tuebingen Variant Classification Criteria Version 2. Collection method: clinical testing. Allele origin: germline. Affected: yes. Observed: 1 variant allele.
Comment: IRS4: PM2, PM4